The following is an entry in ClinVar:

ClinVar aggregate classification (germline): Pathogenic. Review status: no assertion criteria provided (0 of 4 stars). 2 submissions from 2 submitters: Pathogenic (2). Last evaluated 2018-09-14.

Conditions:
Mitochondrial complex V (ATP synthase) deficiency, nuclear type 5. Also called: Mitochondrial complex 5 (ATP synthase) deficiency nuclear type 5; MITOCHONDRIAL COMPLEX V (ATP SYNTHASE) DEFICIENCY, ATP5F1D TYPE. Identifiers: MedGen C4748269, MONDO:0020858, OMIM 618120.
Decreased activity of mitochondrial ATP synthase complex. Identifiers: MedGen C4023125, HP:0011925.

Allele frequency attached by ClinVar (database versions not stated): gnomAD exomes below 0.00001 and 0.00001.

Submissions (2):

OMIM
Classification: Pathogenic for MITOCHONDRIAL COMPLEX V (ATP SYNTHASE) DEFICIENCY, NUCLEAR TYPE 5. Last evaluated: 2018-09-14. Review status: no assertion criteria provided. Collection method: literature only. Allele origin: germline.

Undiagnosed Diseases Network, NIH
Classification: Pathogenic for Decreased activity of mitochondrial ATP synthase complex. Last evaluated: 2017-06-01. Review status: no assertion criteria provided. Collection method: clinical testing. Allele origin: inherited. Affected: yes. Observed: 1 variant allele, 1 homozygote.
Comment: Pathogenicity of this variant was established through patient-specific functional assays including untargeted serum metabolomics, western blot, Blue Native PAGE, Seahorse energetics, and electron microscopy of iPSC-derived cardiomyocytes which were all consistent with impaired ATPase function. Additional evidence for gene- and variant-specific pathogenicity included in vivo transgenic Drosophila studies with attempted rescue.

Literature cited by the submitters: PubMed 29478781 (cited by OMIM and Undiagnosed Diseases Network, NIH).

NM_001687.5(ATP5F1D):c.245C>T (p.Pro82Leu)

Gene: ATP5F1D (ATP synthase F1 subunit delta; plus strand). Cytogenetic location: 19p13.3.
Variant type: single nucleotide variant.
Coding change: c.245C>T on transcript NM_001687.5 (MANE Select); coding-DNA position 245, C replaced by T.
Protein change: p.Pro82Leu; replaces proline 82 with leucine.
Molecular consequence: missense variant.
Genome position (GRCh38, 1-based): chr19:1,242,559, C>T. VCF-style: chr19-1242559-C-T. GRCh37 (hg19) VCF-style: chr19-1242558-C-T.
Other names: c.245C>T, p.Pro82Leu (NM_001001975.2); short protein forms P82L.
Identifiers: ClinVar variation 453296 (VCV000453296.4), dbSNP rs867410737, ClinGen allele CA304013889.